The following is an entry in ClinVar:

ClinVar aggregate classification (germline): Pathogenic/Likely pathogenic. Review status: criteria provided, multiple submitters, no conflicts (2 of 4 stars). 4 submissions from 4 submitters: Pathogenic (2); Likely pathogenic (1). 1 of the submissions does not count toward it. Last evaluated 2023-12-01.

Conditions:
Charcot-Marie-Tooth disease dominant intermediate B (CMTDIB). Also called: Charcot-Marie-Tooth disease dominant intermediate 1; CMT DI1; Charcot-Marie-Tooth disease dominant intermediate I; CHARCOT-MARIE-TOOTH NEUROPATHY, DOMINANT INTERMEDIATE B. Identifiers: Orphanet 100044, Orphanet 228179, MedGen C1847902, MONDO:0011674, OMIM 606482.
Centronuclear myopathy (CNM). Also called: Myotubular myopathy; Centronuclear myopathy, congenital. Identifiers: Orphanet 595, MedGen C0175709, MONDO:0018947. Inheritance: All.
Autosomal dominant centronuclear myopathy. Also called: Myopathy, centronuclear, 3; MYOTUBULAR MYOPATHY, AUTOSOMAL DOMINANT. Identifiers: Orphanet 169189, MedGen C4551952, MeSH D020914, MONDO:0008048, OMIM 160150.

Submissions (4):

3billion
Classification: Likely pathogenic for Autosomal dominant centronuclear myopathy. Last evaluated: 2023-12-01. Review status: criteria provided, single submitter. Criteria: ACMG Guidelines, 2015. Collection method: clinical testing. Allele origin: germline. Affected: yes.
Comment: The variant is not observed in the gnomAD v2.1.1 dataset. Predicted Consequence/Location: Missense changes are a common disease-causing mechanism. In silico tool predictions suggest damaging effect of the variant on gene or gene product [REVEL: 0.91 (>=0.6, sensitivity 0.68 and specificity 0.92); 3Cnet: 0.97 (>=0.6, sensitivity 0.72 and precision 0.9)]. Same nucleotide change resulting in same amino acid change has been previously reported as pathogenic/likely pathogenic with strong evidence (ClinVar ID: VCV000158519 /PMID: 19932620). Therefore, this variant is classified as Likely pathogenic according to the recommendation of ACMG/AMP guideline.

Labcorp Genetics (formerly Invitae), Labcorp
Classification: Pathogenic for Charcot-Marie-Tooth disease dominant intermediate B. Last evaluated: 2022-02-17. Review status: criteria provided, single submitter. Criteria: Invitae Variant Classification Sherloc (09022015). Collection method: clinical testing. Allele origin: germline.
Comment: Algorithms developed to predict the effect of sequence changes on RNA splicing suggest that this variant is not likely to affect RNA splicing. For these reasons, this variant has been classified as Pathogenic. Advanced modeling of protein sequence and biophysical properties (such as structural, functional, and spatial information, amino acid conservation, physicochemical variation, residue mobility, and thermodynamic stability) performed at Invitae indicates that this missense variant is expected to disrupt DNM2 protein function. ClinVar contains an entry for this variant (Variation ID: 158519). This missense change has been observed in individuals with congenital or centronuclear myopathy (PMID: 19932620, 22396310; Invitae). This variant is not present in population databases (gnomAD no frequency). This sequence change replaces leucine, which is neutral and non-polar, with proline, which is neutral and non-polar, at codon 621 of the DNM2 protein (p.Leu621Pro).

Genetic Services Laboratory, University of Chicago
Classification: Pathogenic for Myopathy, centronuclear. Last evaluated: 2013-02-08. Review status: criteria provided, single submitter. Criteria: ACMG Guidelines, 2007. Collection method: clinical testing. Allele origin: germline. Inheritance: Autosomal dominant inheritance. Affected: yes.

Inherited Neuropathy Consortium Ii, University Of Miami
Classification: Uncertain significance for Charcot-Marie-Tooth disease dominant intermediate B. Last evaluated: 2019-05-26. Review status: no assertion criteria provided. Collection method: literature only. Allele origin: germline. Affected: yes. Not counted in ClinVar's aggregate classification.

Literature cited by the submitters: PubMed 19932620 (cited by 3 submitters); PubMed 22396310 (cited by Labcorp Genetics (formerly Invitae), Labcorp).

NM_001005361.3(DNM2):c.1862T>C (p.Leu621Pro)

Gene: DNM2 (dynamin 2; plus strand). Cytogenetic location: 19p13.2.
Variant type: single nucleotide variant.
Coding change: c.1862T>C on transcript NM_001005361.3 (MANE Select); coding-DNA position 1862, T replaced by C.
Protein change: p.Leu621Pro; replaces leucine 621 with proline.
Molecular consequence: missense variant.
Genome position (GRCh38, 1-based): chr19:10,823,868, T>C. VCF-style: chr19-10823868-T-C. GRCh37 (hg19) VCF-style: chr19-10934544-T-C.
Other names: c.1862T>C, p.Leu621Pro (NM_001005360.3, NM_001190716.2); c.1850T>C, p.Leu617Pro (NM_001005362.3, NM_004945.4); short protein forms L621P, L617P.
Identifiers: ClinVar variation 158519 (VCV000158519.12), dbSNP rs587783597, ClinGen allele CA172112.
Genomic context (GRCh38, chr19:10,823,868, plus strand): 5'-GGCAGATCGAGCTGGCCTGTGACTCCCAGGAAGACGTGGACAGCTGGAAGGCCTCGTTCC[T>C]CCGAGCTGGCGTCTACCCCGAGAAGGACCAGGTGAGGAGCCGTCCTGCGCAGCCAGGCCC-3'
Protein context (NP_001005361.1, residues 611-631): EDVDSWKASF[Leu621Pro]RAGVYPEKDQ